The following is an entry in ClinVar:

NM_018127.7(ELAC2):c.511C>T (p.Pro171Ser)

Gene: ELAC2 (elaC ribonuclease Z 2; minus strand). Cytogenetic location: 17p12.
Variant type: single nucleotide variant.
Coding change: c.511C>T on transcript NM_018127.7 (MANE Select); coding-DNA position 511, C replaced by T.
Protein change: p.Pro171Ser; replaces proline 171 with serine.
Molecular consequence: missense variant.
Genome position (GRCh38, 1-based): chr17:13,013,255, G>A on the plus strand (C>T on the coding strand, the complement: ELAC2 is on the minus strand). VCF-style: chr17-13013255-G-A. GRCh37 (hg19) VCF-style: chr17-12916572-G-A.
Other names: c.511C>T, p.Pro171Ser (NM_001165962.2, NM_173717.2); short protein forms P171S.
Identifiers: ClinVar variation 1315618 (VCV001315618.8), dbSNP rs775086832, ClinGen allele CA8401616.

ClinVar aggregate classification (germline): Uncertain significance. Review status: criteria provided, multiple submitters, no conflicts (2 of 4 stars). 3 submissions from 3 submitters: Uncertain significance (3). Last evaluated 2025-08-06.

Conditions:
Inborn genetic diseases. Identifiers: MedGen C0950123, MeSH D030342.
Combined oxidative phosphorylation defect type 17. Also called: Combined oxidative phosphorylation deficiency 17. Identifiers: Orphanet 369913, MedGen C3809526, MONDO:0014190, OMIM 615440.

Allele frequency attached by ClinVar (database versions not stated): gnomAD 0.00001; gnomAD exomes 0.00001; ExAC 0.00002.
gnomAD v4.1: 15 of 1,613,952 alleles (0.00093%); highest among the groups gnomAD compares: Admixed American, 0.0033%; no homozygotes.

Submissions (3):

Ambry Genetics
Classification: Uncertain significance for Inborn genetic diseases. Last evaluated: 2025-08-06. Review status: criteria provided, single submitter. Criteria: Ambry Variant Classification Scheme 2023. Collection method: clinical testing. Allele origin: germline.

Labcorp Genetics (formerly Invitae), Labcorp
Classification: Uncertain significance for Combined oxidative phosphorylation defect type 17. Last evaluated: 2022-03-20. Review status: criteria provided, single submitter. Criteria: Invitae Variant Classification Sherloc (09022015). Collection method: clinical testing. Allele origin: germline.
Comment: This variant is present in population databases (rs775086832, gnomAD 0.003%). This sequence change replaces proline, which is neutral and non-polar, with serine, which is neutral and polar, at codon 171 of the ELAC2 protein (p.Pro171Ser). This variant has not been reported in the literature in individuals affected with ELAC2-related conditions. ClinVar contains an entry for this variant (Variation ID: 1315618). Algorithms developed to predict the effect of missense changes on protein structure and function (SIFT, PolyPhen-2, Align-GVGD) all suggest that this variant is likely to be tolerated. In summary, the available evidence is currently insufficient to determine the role of this variant in disease. Therefore, it has been classified as a Variant of Uncertain Significance.

GeneDx
Classification: Uncertain significance. Last evaluated: 2019-06-10. Review status: criteria provided, single submitter. Criteria: GeneDx Variant Classification Process June 2021. Collection method: clinical testing. Allele origin: germline. Affected: yes.
Comment: Has not been previously published as pathogenic or benign to our knowledge; Not observed at a significant frequency in large population cohorts (Lek et al., 2016); In silico analysis, which includes protein predictors and evolutionary conservation, supports that this variant does not alter protein structure/function